The following is an entry in ClinVar:

NM_000064.4(C3):c.2863+6T>A

Gene: C3 (complement C3; minus strand). Cytogenetic location: 19p13.3.
Variant type: single nucleotide variant.
Coding change: c.2863+6T>A on transcript NM_000064.4 (MANE Select); 6 bases into the intron after coding-DNA position 2863, T replaced by A.
Molecular consequence: intron variant.
Genome position (GRCh38, 1-based): chr19:6,696,587, A>T on the plus strand (T>A on the coding strand, the complement: C3 is on the minus strand). VCF-style: chr19-6696587-A-T. GRCh37 (hg19) VCF-style: chr19-6696598-A-T.
Identifiers: ClinVar variation 3135986 (VCV003135986.1), dbSNP rs756312664, ClinGen allele CA9128949.

ClinVar aggregate classification (germline): Uncertain significance (1 of 4 stars; one submission).

Conditions:
Inborn genetic diseases. Identifiers: MedGen C0950123, MeSH D030342.

Allele frequency attached by ClinVar (database versions not stated): ExAC 0.00001; gnomAD 0.00001.
gnomAD v4.1: 3 of 1,613,318 alleles (0.00019%); highest among the groups gnomAD compares: East Asian, 0.0067%; no homozygotes.

Submission:

Ambry Genetics
Classification: Uncertain significance for Inborn genetic diseases. Last evaluated: 2023-11-20. Review status: criteria provided, single submitter. Criteria: Ambry Variant Classification Scheme 2023. Collection method: clinical testing. Allele origin: germline.
Comment: The c.2863+6T>A intronic alteration consists of a T to A substitution nucleotides after coding exon 22 in the C3 gene. Based on insufficient or conflicting evidence, the clinical significance of this alteration remains unclear.